The following is an entry in ClinVar:

NC_000011.9:g.(?_34969033)_(34969173_?)del

Gene: PDHX (pyruvate dehydrogenase complex component X; plus strand). Cytogenetic location: 11p13.
Variant type: Deletion.
Identifiers: ClinVar variation 1459035 (VCV001459035.4).

ClinVar aggregate classification (germline): Pathogenic (1 of 4 stars; one submission).

Submission:

Labcorp Genetics (formerly Invitae), Labcorp
Classification: Pathogenic. Last evaluated: 2021-08-16. Review status: criteria provided, single submitter. Criteria: Invitae Variant Classification Sherloc (09022015). Collection method: clinical testing. Allele origin: germline.
Comment: For these reasons, this variant has been classified as Pathogenic. This variant has not been reported in the literature in individuals affected with PDHX-related conditions. This variant is a gross deletion of the genomic region encompassing exon(s) 3 of the PDHX gene. This deletion is out-of-frame, and is expected to create a premature termination codon and result in an absent or disrupted protein product. Loss-of-function variants in PDHX are known to be pathogenic (PMID: 16904023, 21914562).

Literature cited by the submitters: PubMed 16904023; PubMed 21914562.